The following is an entry in ClinVar:

NM_152564.5(VPS13B):c.436C>T (p.Arg146Ter)

Gene: VPS13B (vacuolar protein sorting 13 homolog B; plus strand). Cytogenetic location: 8q22.2.
Variant type: single nucleotide variant.
Coding change: c.436C>T on transcript NM_152564.5 (MANE Select); coding-DNA position 436, C replaced by T.
Protein change: p.Arg146Ter; replaces arginine 146 with a stop codon.
Molecular consequence: nonsense. On other transcripts: non-coding transcript variant (1).
Genome position (GRCh38, 1-based): chr8:99,102,976, C>T. VCF-style: chr8-99102976-C-T. GRCh37 (hg19) VCF-style: chr8-100115204-C-T.
Other names: c.436C>T, p.Arg146Ter (NM_015243.3, NM_017890.5, NM_181661.3); c.436C>T (NM_152564.4); short protein forms R146*.
Identifiers: ClinVar variation 370440 (VCV000370440.25), dbSNP rs144539572, ClinGen allele CA4822391.

ClinVar aggregate classification (germline): Pathogenic/Likely pathogenic. Review status: criteria provided, multiple submitters, no conflicts (2 of 4 stars). 11 submissions from 11 submitters: Pathogenic (9); Likely pathogenic (1). 1 of the submissions does not count toward it. Last evaluated 2026-09-16.

Conditions:
Cohen syndrome (COH1). Also called: Cutis verticis gyrata, retinitis pigmentosa, and sensorineural deafness; PEPPER SYNDROME. Identifiers: Orphanet 193, MedGen C0265223, MONDO:0008999, OMIM 216550.
VPS13B-related disorder. Also called: VPS13B-related condition.

Allele frequency attached by ClinVar (database versions not stated): gnomAD exomes 0.00001 and 0.00002; ExAC 0.00005; gnomAD 0.00006 and 0.00008; TOPMed 0.00006; ESP Exome Variant Server 0.00023.
gnomAD v4.1: 30 of 1,609,236 alleles (0.0019%); highest among the groups gnomAD compares: African/African-American, 0.015%; no homozygotes.

Submissions (11):

PreventionGenetics, part of Exact Sciences
Classification: Pathogenic for VPS13B-related condition. Last evaluated: 2026-09-16. Review status: criteria provided, single submitter. Criteria: ACMG Guidelines, 2015. Collection method: clinical testing. Allele origin: germline.
Comment: The VPS13B c.436C>T variant is predicted to result in premature protein termination (p.Arg146*). This variant has been reported in the compound heterozygous state in patients with Cohen syndrome (Table S2, Dong et al. 2020. PubMed ID: 32005694; Duplomb et al. 2019. PubMed ID: 30843084). This variant is reported in 0.020% of alleles in individuals of African descent in gnomAD. Nonsense variants in VPS13B are expected to be pathogenic. This variant is interpreted as pathogenic.

Natera, Inc.
Classification: Pathogenic for Cohen syndrome. Last evaluated: 2025-12-15. Review status: criteria provided, single submitter. Criteria: Natera Variant Classification Schema (03/2026). Collection method: clinical testing. Allele origin: germline.
Comment: The c.436C>T variant in VPS13B is a nonsense variant predicted to introduce a stop codon at amino acid 146. This variant is expected to result in nonsense mediated decay, truncation, or a dysfunctional protein product. This variant is rare in the general population with a frequency below the threshold expected for the associated phenotype(s). This variant has been observed in one or more individuals affected with the associated recessive disease, as either homozygous or compound heterozygous with a second variant (PMID: 23188044). Given the available evidence, this variant is classified as Pathogenic.

Labcorp Genetics (formerly Invitae), Labcorp
Classification: Pathogenic for Cohen syndrome. Last evaluated: 2025-09-13. Review status: criteria provided, single submitter. Criteria: Invitae Variant Classification Sherloc (09022015). Collection method: clinical testing. Allele origin: germline.
Comment: This sequence change creates a premature translational stop signal (p.Arg146*) in the VPS13B gene. It is expected to result in an absent or disrupted protein product. Loss-of-function variants in VPS13B are known to be pathogenic (PMID: 15141358, 16648375, 20461111). This variant is present in population databases (rs144539572, gnomAD 0.01%). This premature translational stop signal has been observed in individual(s) with Cohen syndrome (PMID: 20656880, 23188044). ClinVar contains an entry for this variant (Variation ID: 370440). For these reasons, this variant has been classified as Pathogenic.

Blueprint Genetics
Classification: Pathogenic for VPS13B-related disorders. Last evaluated: 2024-09-18. Review status: criteria provided, single submitter. Criteria: ACMG Guidelines, 2015. Collection method: clinical testing. Allele origin: germline. Affected: yes. Observed: 4 variant alleles.

GeneDx
Classification: Pathogenic. Last evaluated: 2022-03-25. Review status: criteria provided, single submitter. Criteria: GeneDx Variant Classification Process June 2021. Collection method: clinical testing. Allele origin: germline. Affected: yes.
Comment: Nonsense variant predicted to result in protein truncation or nonsense mediated decay in a gene for which loss-of-function is a known mechanism of disease; This variant is associated with the following publications: (PMID: 25525159, 23188044, 20656880, 30843084, 32005694)

Clinical Genomics Laboratory, Stanford Medicine
Classification: Pathogenic for Cohen syndrome. Last evaluated: 2021-12-15. Review status: criteria provided, single submitter. Criteria: ACMG Guidelines, 2015. Collection method: clinical testing. Allele origin: maternal. Inheritance: Autosomal recessive inheritance. Observed: 2 variant alleles, 2 heterozygotes.
Comment: The p.Arg146* variant in the VPS13B gene has been previously reported in the compound heterozygous state with a multi-exon deletion in an individual with Cohen syndrome; however, phasing of these variants was not reported (El Chehadeh-Djebbar et al., 2013). This variant was also reported in the heterozygous state in an affected individual with no identified second variant (El-Chehadeh et al., 2010). This variant has been identified in 7/282,550 chromosomes by the Genome Aggregation Database. Although this variant has been seen in the general population, its frequency is low enough to be consistent with a recessive carrier frequency. This variant leads to a premature stop codon in exon 5 of 62 exons, and is therefore predicted to undergo nonsense-mediated decay resulting in a truncated or absent protein. Loss of function is an established mechanism of disease for the VPS13B gene. These data were assessed using the ACMG/AMP variant interpretation guidelines. In summary, there is sufficient evidence to classify the p.Arg146* variant as pathogenic for autosomal recessive Cohen syndrome based on the information above. [ACMG evidence codes used: PVS1; PM2; PM3_Supporting]

Fulgent Genetics
Classification: Likely pathogenic for Cohen syndrome. Last evaluated: 2021-12-06. Review status: criteria provided, single submitter. Criteria: ACMG Guidelines, 2015. Collection method: clinical testing. Allele origin: unknown.

Genome-Nilou Lab
Classification: Pathogenic for Cohen syndrome. Last evaluated: 2021-07-22. Review status: criteria provided, single submitter. Criteria: ACMG Guidelines, 2015. Collection method: clinical testing. Allele origin: germline. Affected: no.

Women's Health and Genetics/Laboratory Corporation of America, LabCorp
Classification: Pathogenic for Cohen syndrome. Last evaluated: 2021-02-21. Review status: criteria provided, single submitter. Criteria: LabCorp Variant Classification Summary - May 2015. Collection method: clinical testing. Allele origin: germline.
Comment: Variant summary: VPS13B c.436C>T (p.Arg146X) results in a premature termination codon, predicted to cause a truncation of the encoded protein or absence of the protein due to nonsense mediated decay, which are commonly known mechanisms for disease. At-least one truncation downstream of this position has been classified as pathogenic by our laboratory. The variant allele was found at a frequency of 2e-05 in 251172 control chromosomes. c.436C>T has been reported in the literature in at-least two individuals affected with Cohen Syndrome, one of whom as a critically ill infant, underwent extensive clinical and diagnostic workup by whole genome sequencing (example, El Chehadeh_2010, Duplomb_2019, Wang_2020). To our knowledge, no experimental evidence demonstrating an impact on protein function has been reported. Two clinical diagnostic laboratories have submitted clinical-significance assessments for this variant to ClinVar after 2014. All submitters classified the variant as pathogenic/likely pathogenic citing overlapping evidence utilized in the context of this evaluation. Based on the evidence outlined above, the variant was classified as pathogenic.

Juno Genomics, Hangzhou Juno Genomics, Inc
Classification: Pathogenic for Cohen syndrome. Review status: criteria provided, single submitter. Criteria: ACMG Guidelines, 2015. Collection method: clinical testing. Allele origin: germline.
Comment: Absent from controls (or at extremely low frequency if recessive) in Genome Aggregation Database.;Null variant in a gene where loss of function (LOF) is a known mechanism of disease.;For recessive disorders, detected in trans with a pathogenic variant.

Counsyl
Classification: Likely pathogenic for Cohen syndrome. Last evaluated: 2016-02-09. Review status: no assertion criteria provided. Collection method: clinical testing. Allele origin: unknown. Not counted in ClinVar's aggregate classification.

Literature cited by the submitters: PubMed 23188044 (cited by 4 submitters); PubMed 15141358 (cited by Labcorp Genetics (formerly Invitae), Labcorp); PubMed 16648375 (cited by Labcorp Genetics (formerly Invitae), Labcorp); PubMed 20461111 (cited by Labcorp Genetics (formerly Invitae), Labcorp); PubMed 20656880 (cited by 4 submitters); PubMed 30843084 (cited by Women's Health and Genetics/Laboratory Corporation of America, LabCorp); PubMed 31965297 (cited by Women's Health and Genetics/Laboratory Corporation of America, LabCorp).